The following is an entry in ClinVar:

ClinVar aggregate classification (germline): Pathogenic (1 of 4 stars; one submission).

gnomAD v4.1: 1 of 1,612,902 alleles (0.000062%); highest among the groups gnomAD compares: Non-Finnish European, 0.000085%; no homozygotes.

Submission:

Labcorp Genetics (formerly Invitae), Labcorp
Classification: Pathogenic. Last evaluated: 2021-09-27. Review status: criteria provided, single submitter. Criteria: Invitae Variant Classification Sherloc (09022015). Collection method: clinical testing. Allele origin: germline.
Comment: This sequence change creates a premature translational stop signal (p.Trp183*) in the CNGA3 gene. It is expected to result in an absent or disrupted protein product. Loss-of-function variants in CNGA3 are known to be pathogenic (PMID: 14757870, 24903488, 25637600). This variant is not present in population databases (ExAC no frequency). This variant has not been reported in the literature in individuals affected with CNGA3-related conditions. For these reasons, this variant has been classified as Pathogenic.

Literature cited by the submitters: PubMed 14757870; PubMed 24903488; PubMed 25637600.

NM_001298.3(CNGA3):c.549G>A (p.Trp183Ter)

Gene: CNGA3 (cyclic nucleotide gated channel subunit alpha 3; plus strand). Cytogenetic location: 2q11.2.
Variant type: single nucleotide variant.
Coding change: c.549G>A on transcript NM_001298.3 (MANE Select); coding-DNA position 549, G replaced by A.
Protein change: p.Trp183Ter; replaces tryptophan 183 with a stop codon.
Molecular consequence: nonsense.
Genome position (GRCh38, 1-based): chr2:98,389,757, G>A. VCF-style: chr2-98389757-G-A. GRCh37 (hg19) VCF-style: chr2-99006220-G-A.
Other names: c.495G>A, p.Trp165Ter (NM_001079878.2); short protein forms W165*, W183*.
Identifiers: ClinVar variation 1455916 (VCV001455916.6), dbSNP rs1432305934, ClinGen allele CA347831617.